The following is an entry in ClinVar:

NM_005356.5(LCK):c.104C>T (p.Thr35Met)

Gene: LCK (LCK proto-oncogene, Src family tyrosine kinase; plus strand). Cytogenetic location: 1p35.2.
Variant type: single nucleotide variant.
Coding change: c.104C>T on transcript NM_005356.5 (MANE Select); coding-DNA position 104, C replaced by T.
Protein change: p.Thr35Met; replaces threonine 35 with methionine.
Molecular consequence: missense variant.
Genome position (GRCh38, 1-based): chr1:32,274,433, C>T. VCF-style: chr1-32274433-C-T. GRCh37 (hg19) VCF-style: chr1-32740034-C-T.
Other names: c.104C>T, p.Thr35Met (NM_001042771.3, NM_001330468.2); short protein forms T35M.
Identifiers: ClinVar variation 1039527 (VCV001039527.8), dbSNP rs1640192230, ClinGen allele CA339635885.

ClinVar aggregate classification (germline): Uncertain significance (1 of 4 stars; one submission).

Conditions:
Severe combined immunodeficiency due to LCK deficiency. Also called: Immunodeficiency 22. Identifiers: Orphanet 280142, MedGen C4014233, MONDO:0014334, OMIM 615758.

Allele frequency attached by ClinVar (database versions not stated): gnomAD exomes below 0.00001.
gnomAD v4.1: 1 of 1,608,236 alleles (0.000062%); highest among the groups gnomAD compares: Admixed American, 0.0017%; no homozygotes.

Submission:

Labcorp Genetics (formerly Invitae), Labcorp
Classification: Uncertain significance for Severe combined immunodeficiency due to LCK deficiency. Last evaluated: 2024-10-29. Review status: criteria provided, single submitter. Criteria: Invitae Variant Classification Sherloc (09022015). Collection method: clinical testing. Allele origin: germline.
Comment: This sequence change replaces threonine, which is neutral and polar, with methionine, which is neutral and non-polar, at codon 35 of the LCK protein (p.Thr35Met). This variant is not present in population databases (gnomAD no frequency). This variant has not been reported in the literature in individuals affected with LCK-related conditions. ClinVar contains an entry for this variant (Variation ID: 1039527). An algorithm developed to predict the effect of missense changes on protein structure and function outputs the following: PolyPhen-2: "Benign". The methionine amino acid residue is found in multiple mammalian species, which suggests that this missense change does not adversely affect protein function. In summary, the available evidence is currently insufficient to determine the role of this variant in disease. Therefore, it has been classified as a Variant of Uncertain Significance.